The following is an entry in ClinVar:

ClinVar aggregate classification (germline): Pathogenic (1 of 4 stars; one submission).

Conditions:
Nemaline myopathy 10 (NEM10). Identifiers: MedGen C4015360, MONDO:0014513, OMIM 616165.

gnomAD v4.1: 8 of 1,613,538 alleles (0.0005%); highest among the groups gnomAD compares: Non-Finnish European, 0.00059%; no homozygotes.

Submission:

Labcorp Genetics (formerly Invitae), Labcorp
Classification: Pathogenic for Nemaline myopathy 10. Last evaluated: 2025-07-03. Review status: criteria provided, single submitter. Criteria: Invitae Variant Classification Sherloc (09022015). Collection method: clinical testing. Allele origin: germline.
Comment: This sequence change creates a premature translational stop signal (p.Gln397*) in the LMOD3 gene. It is expected to result in an absent or disrupted protein product. Loss-of-function variants in LMOD3 are known to be pathogenic (PMID: 25250574). This variant is not present in population databases (gnomAD no frequency). This variant has not been reported in the literature in individuals affected with LMOD3-related conditions. For these reasons, this variant has been classified as Pathogenic.

Literature cited by the submitters: PubMed 25250574.

NM_198271.5(LMOD3):c.1189C>T (p.Gln397Ter)

Gene: LMOD3 (leiomodin 3; minus strand). Cytogenetic location: 3p14.1.
Variant type: single nucleotide variant.
Coding change: c.1189C>T on transcript NM_198271.5 (MANE Select); coding-DNA position 1189, C replaced by T.
Protein change: p.Gln397Ter; replaces glutamine 397 with a stop codon.
Molecular consequence: nonsense.
Genome position (GRCh38, 1-based): chr3:69,119,166, G>A on the plus strand (C>T on the coding strand, the complement: LMOD3 is on the minus strand). VCF-style: chr3-69119166-G-A. GRCh37 (hg19) VCF-style: chr3-69168317-G-A.
Other names: c.1189C>T, p.Gln397Ter (NM_001304418.3); short protein forms Q397*.
Identifiers: ClinVar variation 4753358 (VCV004753358.1).
Genomic context (GRCh38, chr3:69,119,166, plus strand): 5'-TCAGCTTCTTCTGTTCCTTGAGTTGCTGCTGTTTTTGCTCTTCCTGTCGTTTCTGCCTTT[G>A]TTTATCCTGATTCCTGGTGAGCAGATTAGTGACCACCATTCTGGGACCCGGAAGCTCAAA-3'